The following is an entry in ClinVar:

ClinVar aggregate classification (germline): Uncertain significance. Review status: criteria provided, multiple submitters, no conflicts (2 of 4 stars). 4 submissions from 4 submitters: Uncertain significance (4). Last evaluated 2025-04-27.

Conditions:
Hereditary cancer-predisposing syndrome. Also called: Tumor predisposition; Neoplastic Syndromes, Hereditary; Hereditary Cancer Syndrome; Hereditary neoplastic syndrome. Identifiers: Orphanet 140162, MedGen C0027672, MeSH D009386, MONDO:0015356.
Tuberous sclerosis syndrome (TSC). Also called: Tuberous Sclerosis Complex; Tuberous sclerosis. Identifiers: Orphanet 805, MedGen C0041341, MONDO:0001734.
Tuberous sclerosis 2 (TSC2). Identifiers: Orphanet 805, MedGen C1860707, MONDO:0013199, OMIM 613254.

Submissions (4):

Labcorp Genetics (formerly Invitae), Labcorp
Classification: Uncertain significance for Tuberous sclerosis 2. Last evaluated: 2025-04-27. Review status: criteria provided, single submitter. Criteria: Invitae Variant Classification Sherloc (09022015). Collection method: clinical testing. Allele origin: germline.
Comment: This sequence change replaces proline, which is neutral and non-polar, with threonine, which is neutral and polar, at codon 542 of the TSC2 protein (p.Pro542Thr). This variant is not present in population databases (gnomAD no frequency). This variant has not been reported in the literature in individuals affected with TSC2-related conditions. ClinVar contains an entry for this variant (Variation ID: 486694). Invitae Evidence Modeling of protein sequence and biophysical properties (such as structural, functional, and spatial information, amino acid conservation, physicochemical variation, residue mobility, and thermodynamic stability) indicates that this missense variant is not expected to disrupt TSC2 protein function with a negative predictive value of 95%. In summary, the available evidence is currently insufficient to determine the role of this variant in disease. Therefore, it has been classified as a Variant of Uncertain Significance.

All of Us Research Program, National Institutes of Health
Classification: Uncertain significance for Tuberous sclerosis syndrome. Last evaluated: 2024-02-22. Review status: criteria provided, single submitter. Criteria: ACMG Guidelines, 2015. Collection method: clinical testing. Allele origin: germline. Inheritance: Autosomal dominant inheritance. Observed: 3 variant alleles, 3 heterozygotes.
Comment: This missense variant replaces proline with threonine at codon 542 of the TSC2 protein. Computational prediction suggests that this variant may not impact protein structure and function (internally defined REVEL score threshold <= 0.5, PMID: 27666373). To our knowledge, functional studies have not been reported for this variant. This variant has not been reported in individuals affected with TSC2-related disorders in the literature. This variant has not been identified in the general population by the Genome Aggregation Database (gnomAD). The available evidence is insufficient to determine the role of this variant in disease conclusively. Therefore, this variant is classified as a Variant of Uncertain Significance.

This study involves interpretation of variants in research participants for the purpose of population health screening. Participant phenotype was not available at the time of variant classification. Additional details can be found in publication PMID: 35346344, PMCID: PMC8962531

Genome-Nilou Lab
Classification: Uncertain significance for Tuberous sclerosis 2. Last evaluated: 2021-11-07. Review status: criteria provided, single submitter. Criteria: ACMG Guidelines, 2015. Collection method: clinical testing. Allele origin: germline. Affected: no.

Ambry Genetics
Classification: Uncertain significance for Hereditary cancer-predisposing syndrome. Last evaluated: 2017-03-17. Review status: criteria provided, single submitter. Criteria: Ambry Variant Classification Scheme 2023. Collection method: clinical testing. Allele origin: germline.
Comment: The p.P542T variant (also known as c.1624C>A), located in coding exon 15 of the TSC2 gene, results from a C to A substitution at nucleotide position 1624. The proline at codon 542 is replaced by threonine, an amino acid with highly similar properties. This amino acid position is highly conserved in available vertebrate species. In addition, this alteration is predicted to be tolerated by in silico analysis. Since supporting evidence is limited at this time, the clinical significance of this alteration remains unclear.

NM_000548.5(TSC2):c.1624C>A (p.Pro542Thr)

Gene: TSC2 (TSC complex subunit 2; plus strand). Cytogenetic location: 16p13.3.
Variant type: single nucleotide variant.
Coding change: c.1624C>A on transcript NM_000548.5 (MANE Select); coding-DNA position 1624, C replaced by A.
Protein change: p.Pro542Thr; replaces proline 542 with threonine.
Molecular consequence: missense variant.
Genome position (GRCh38, 1-based): chr16:2,065,543, C>A. VCF-style: chr16-2065543-C-A. GRCh37 (hg19) VCF-style: chr16-2115544-C-A.
Other names: c.1624C>A, p.Pro542Thr (NM_001077183.3, NM_001114382.3, NM_001363528.2 and 3 more transcripts); c.1513C>A, p.Pro505Thr (NM_001318827.2); c.1477C>A, p.Pro493Thr (NM_001318829.2); c.1024C>A, p.Pro342Thr (NM_001318831.2); c.1657C>A, p.Pro553Thr (NM_001318832.2); short protein forms P542T, P493T, P553T, P342T, P505T.
Identifiers: ClinVar variation 486694 (VCV000486694.18), dbSNP rs891347695, ClinGen allele CA394267710.